The following is an entry in ClinVar:

NM_006231.4(POLE):c.6244_6248del (p.Glu2082fs)

Gene: POLE (DNA polymerase epsilon, catalytic subunit; minus strand). Cytogenetic location: 12q24.33.
Variant type: Deletion.
Coding change: c.6244_6248del on transcript NM_006231.4 (MANE Select); coding-DNA positions 6244 to 6248, 5 bases deleted (GAGCT; older notation c.6244_6248delGAGCT).
Protein change: p.Glu2082fs; shifts the reading frame from glutamic acid 2082.
Molecular consequence: frameshift variant.
Genome position (GRCh38, 1-based): chr12:132,632,397-132,632,401, AGCTC deleted on the plus strand (GAGCT on the coding strand, the reverse complement: POLE is on the minus strand); deleting any 5 consecutive bases within chr12:132,632,397-132,632,403 gives the same sequence; the c. name uses the placement nearest the transcript's 3' end. VCF-style (leftmost placement, unchanged base first): chr12-132632396-GAGCTC-G. GRCh37 (hg19) VCF-style: chr12-133208982-GAGCTC-G.
Other names: short protein forms E2082fs.
Identifiers: ClinVar variation 486965 (VCV000486965.6), dbSNP rs1555220891, ClinGen allele CA658658203.

ClinVar aggregate classification (germline): Uncertain significance (1 of 4 stars; one submission).

Conditions:
Hereditary cancer-predisposing syndrome. Also called: Tumor predisposition; Hereditary Cancer Syndrome; Neoplastic Syndromes, Hereditary; Hereditary neoplastic syndrome. Identifiers: Orphanet 140162, MedGen C0027672, MeSH D009386, MONDO:0015356.

Submission:

Ambry Genetics
Classification: Uncertain significance for Hereditary cancer-predisposing syndrome. Last evaluated: 2026-01-09. Review status: criteria provided, single submitter. Criteria: Ambry Variant Classification Scheme 2023. Collection method: clinical testing. Allele origin: germline.
Comment: The c.6244_6248delGAGCT variant, located in coding exon 45 of the POLE gene, results from a deletion of 5 nucleotides at nucleotide positions 6244 to 6248, causing a translational frameshift with a predicted alternate stop codon (p.E2082Lfs*16). This alteration is expected to result in loss of function by premature protein truncation or nonsense-mediated mRNA decay. Although biallelic loss of function of POLE has been associated with autosomal recessive POLE deficiency, haploinsufficiency of POLE has not been established as a mechanism of disease for POLE-related polymerase proofreading-associated polyposis (PPAP) and POLE-related CMMRD-like syndrome. Based on the supporting evidence, this variant is expected to be causative of POLE deficiency when present along with a second pathogenic variant on the other allele; however, its clinical significance for PPAP and POLE-related CMMRD-like syndrome is unclear.